The following is an entry in ClinVar:

NM_000179.3(MSH6):c.651T>C (p.Asp217=)

Gene: MSH6 (mutS homolog 6; plus strand). Cytogenetic location: 2p16.3.
Variant type: single nucleotide variant.
Coding change: c.651T>C on transcript NM_000179.3 (MANE Select); coding-DNA position 651, T replaced by C.
Protein change: p.Asp217=; no amino-acid change (aspartic acid 217 retained).
Molecular consequence: synonymous variant. On other transcripts: 5 prime UTR variant (2).
Genome position (GRCh38, 1-based): chr2:47,798,634, T>C. VCF-style: chr2-47798634-T-C. GRCh37 (hg19) VCF-style: chr2-48025773-T-C.
Other names: c.261T>C, p.Asp87= (NM_001281492.2); c.-256T>C (NM_001281493.2, NM_001281494.2).
Identifiers: ClinVar variation 1586799 (VCV001586799.9), dbSNP rs1572719819, ClinGen allele CA425995848.

ClinVar aggregate classification (germline): Benign/Likely benign. Review status: criteria provided, multiple submitters, no conflicts (2 of 4 stars). 2 submissions from 2 submitters: Benign (1); Likely benign (1). Last evaluated 2024-12-19.

Conditions:
Hereditary nonpolyposis colorectal neoplasms. Identifiers: MedGen C0009405, MeSH D003123.
Lynch syndrome 5 (LYNCH5). Also called: Colorectal cancer, hereditary nonpolyposis, type 5; Hereditary non-polyposis colorectal cancer, type 5. Identifiers: Orphanet 144, MedGen C1833477, MONDO:0013710, OMIM 614350. Disease mechanism: loss of function.

Allele frequency attached by ClinVar (database versions not stated): TOPMed below 0.00001.

Submissions (2):

Myriad Genetics, Inc.
Classification: Benign for Lynch syndrome 5. Last evaluated: 2024-12-19. Review status: criteria provided, single submitter. Criteria: Myriad Autosomal Dominant, Autosomal Recessive and X-Linked Classification Criteria (2023). Collection method: clinical testing. Allele origin: unknown.
Comment: This variant is considered benign. This variant is a silent/synonymous amino acid change and it is not expected to impact splicing.

Labcorp Genetics (formerly Invitae), Labcorp
Classification: Likely benign for Hereditary nonpolyposis colorectal neoplasms. Last evaluated: 2023-05-21. Review status: criteria provided, single submitter. Criteria: Invitae Variant Classification Sherloc (09022015). Collection method: clinical testing. Allele origin: germline.